The following is an entry in ClinVar:

NM_000252.3(MTM1):c.-48G>C

Genes: MTM1 (myotubularin 1; plus strand), LOC130068796 (ATAC-STARR-seq lymphoblastoid silent region 21050; plus strand). Cytogenetic location: Xq28.
Variant type: single nucleotide variant.
Coding change: c.-48G>C on transcript NM_000252.3 (MANE Select); 48 bases upstream of the start codon, G replaced by C.
Molecular consequence: 5 prime UTR variant.
Genome position (GRCh38, 1-based): chrX:150,568,625, G>C. VCF-style: chrX-150568625-G-C. GRCh37 (hg19) VCF-style: chrX-149737075-G-C.
Other names: c.-48G>C (NM_001376906.1, NM_001376907.1); c.-104G>C (NM_001376908.1).
Identifiers: ClinVar variation 388221 (VCV000388221.1), dbSNP rs1057523036, ClinGen allele CA16608293.
Genomic context (GRCh38, chrX:150,568,625, plus strand): 5'-CGGGGGCGGGCAGGCCGTGGGGGGCGGACCCCAGAGGGGGCGGAGCAGGGCCCGGCAGCC[G>C]AGCAGCCTGGCAACGGCGGTGGCGCCCGGAGCCCGAGGTGGGTGCGCGCTCACGGCTGGC-3'

ClinVar aggregate classification (germline): Likely benign (1 of 4 stars; one submission).

Submission:

GeneDx
Classification: Likely benign. Last evaluated: 2016-08-10. Review status: criteria provided, single submitter. Criteria: GeneDx Variant Classification (06012015). Collection method: clinical testing. Allele origin: germline. Affected: yes.
Comment: This variant is considered likely benign or benign based on one or more of the following criteria: it is a conservative change, it occurs at a poorly conserved position in the protein, it is predicted to be benign by multiple in silico algorithms, and/or has population frequency not consistent with disease.